The following is an entry in ClinVar:

ClinVar aggregate classification (germline): Conflicting classifications of pathogenicity. Review status: criteria provided, conflicting classifications (1 of 4 stars). 4 submissions from 4 submitters: Uncertain significance (3); Likely benign (1). Last evaluated 2025-03-11.

Conditions:
Bethlem myopathy 1A. Also called: Bethlem myopathy 1; MYOPATHY, BENIGN CONGENITAL, WITH CONTRACTURES; Bethlem Muscular Dystrophy. Identifiers: Orphanet 610, MedGen CN029274, MONDO:0024530, OMIM 158810.

Allele frequency attached by ClinVar (database versions not stated): ExAC 0.00009; gnomAD exomes 0.00013; TOPMed 0.00016; gnomAD 0.00020 and 0.00021; ESP Exome Variant Server 0.00023.
gnomAD v4.1: 114 of 1,612,472 alleles (0.0071%); highest among the groups gnomAD compares: Admixed American, 0.05%; no homozygotes.

Submissions (4):

GeneDx
Classification: Uncertain significance. Last evaluated: 2025-03-11. Review status: criteria provided, single submitter. Criteria: GeneDx Variant Classification Process June 2021. Collection method: clinical testing. Allele origin: germline. Affected: yes.
Comment: In silico analysis supports that this missense variant has a deleterious effect on protein structure/function; Has not been previously published as pathogenic or benign to our knowledge

Labcorp Genetics (formerly Invitae), Labcorp
Classification: Likely benign for Bethlem myopathy 1A. Last evaluated: 2024-10-28. Review status: criteria provided, single submitter. Criteria: Invitae Variant Classification Sherloc (09022015). Collection method: clinical testing. Allele origin: germline.

Revvity Omics, Revvity
Classification: Uncertain significance. Last evaluated: 2019-12-02. Review status: criteria provided, single submitter. Criteria: ACMG Guidelines, 2015. Collection method: clinical testing. Allele origin: germline.

Eurofins Ntd Llc (ga)
Classification: Uncertain significance. Last evaluated: 2015-09-03. Review status: criteria provided, single submitter. Criteria: EGL Classification Definitions 2015. Collection method: clinical testing. Allele origin: germline. Observed: 3 variant alleles, 2 heterozygotes.

NM_001849.4(COL6A2):c.1130G>A (p.Arg377His)

Gene: COL6A2 (collagen type VI alpha 2 chain; plus strand). Cytogenetic location: 21q22.3.
Variant type: single nucleotide variant.
Coding change: c.1130G>A on transcript NM_001849.4 (MANE Select); coding-DNA position 1130, G replaced by A.
Protein change: p.Arg377His; replaces arginine 377 with histidine.
Molecular consequence: missense variant.
Genome position (GRCh38, 1-based): chr21:46,118,627, G>A. VCF-style: chr21-46118627-G-A. GRCh37 (hg19) VCF-style: chr21-47538541-G-A.
Other names: c.1130G>A, p.Arg377His (NM_058174.3, NM_058175.3); short protein forms R377H.
Identifiers: ClinVar variation 282525 (VCV000282525.20), dbSNP rs148552966, ClinGen allele CA10071716.